The following is an entry in ClinVar:

ClinVar aggregate classification (germline): Uncertain significance (1 of 4 stars; one submission).

Submission:

Labcorp Genetics (formerly Invitae), Labcorp
Classification: Uncertain significance. Last evaluated: 2023-04-10. Review status: criteria provided, single submitter. Criteria: Invitae Variant Classification Sherloc (09022015). Collection method: clinical testing. Allele origin: germline.
Comment: In summary, the available evidence is currently insufficient to determine the role of this variant in disease. Therefore, it has been classified as a Variant of Uncertain Significance. Experimental studies and prediction algorithms are not available or were not evaluated, and the effect of this variant on mRNA splicing is currently unknown. This variant has not been reported in the literature in individuals affected with IKZF1-related conditions. This variant is not present in population databases (gnomAD no frequency). This sequence change affects codon 472 of the IKZF1 mRNA. It is a 'silent' change, meaning that it does not change the encoded amino acid sequence of the IKZF1 protein.

NM_006060.6(IKZF1):c.1416G>A (p.Leu472=)

Gene: IKZF1 (IKAROS family zinc finger 1; plus strand). Cytogenetic location: 7p12.2.
Variant type: single nucleotide variant.
Coding change: c.1416G>A on transcript NM_006060.6 (MANE Select); coding-DNA position 1416, G replaced by A.
Protein change: p.Leu472=; no amino-acid change (leucine 472 retained).
Molecular consequence: synonymous variant.
Genome position (GRCh38, 1-based): chr7:50,400,483, G>A. VCF-style: chr7-50400483-G-A. GRCh37 (hg19) VCF-style: chr7-50468181-G-A.
Other names: c.1290G>A, p.Leu430= (NM_001220765.3, NM_001291837.2); c.1125G>A, p.Leu375= (NM_001220767.2); c.1155G>A, p.Leu385= (NM_001220768.2, NM_001291838.2); c.999G>A, p.Leu333= (NM_001220770.2); c.987G>A, p.Leu329= (NM_001220771.2, NM_001291841.1); c.1029G>A, p.Leu343= (NM_001291839.2); c.726G>A, p.Leu242= (NM_001291840.1); c.957G>A, p.Leu319= (NM_001291842.1); and 3 more.
Identifiers: ClinVar variation 2854695 (VCV002854695.3), dbSNP rs369930660, ClinGen allele CA455161374.
Genomic context (GRCh38, chr7:50,400,483, plus strand): 5'-CAGCACCAGCGGGGAGCAGATGAAGGTGTACAAGTGCGAACACTGCCGGGTGCTCTTCCT[G>A]GATCACGTCATGTACACCATCCACATGGGCTGCCACGGCTTCCGTGATCCTTTTGAGTGC-3'
Protein context (NP_006051.1, residues 462-482): YKCEHCRVLF[Leu472=]DHVMYTIHMG